The following is an entry in ClinVar:

ClinVar aggregate classification (germline): Uncertain significance (1 of 4 stars; one submission).

Conditions:
Oculodentodigital dysplasia, autosomal recessive. Also called: OCULODENTOOSSEOUS DYSPLASIA, AUTOSOMAL RECESSIVE; ODDD, AUTOSOMAL RECESSIVE; ODOD, AUTOSOMAL RECESSIVE. Identifiers: Orphanet 2710, MedGen C2749477, MONDO:0009768, OMIM 257850.

Submission:

Labcorp Genetics (formerly Invitae), Labcorp
Classification: Uncertain significance for Oculodentodigital dysplasia, autosomal recessive. Last evaluated: 2022-07-12. Review status: criteria provided, single submitter. Criteria: Invitae Variant Classification Sherloc (09022015). Collection method: clinical testing. Allele origin: germline.
Comment: This sequence change replaces glycine, which is neutral and non-polar, with glutamic acid, which is acidic and polar, at codon 321 of the GJA1 protein (p.Gly321Glu). In summary, the available evidence is currently insufficient to determine the role of this variant in disease. Therefore, it has been classified as a Variant of Uncertain Significance. Algorithms developed to predict the effect of missense changes on protein structure and function are either unavailable or do not agree on the potential impact of this missense change (SIFT: "Deleterious"; PolyPhen-2: "Probably Damaging"; Align-GVGD: "Class C0"). ClinVar contains an entry for this variant (Variation ID: 1367012). This variant has not been reported in the literature in individuals affected with GJA1-related conditions. This variant is not present in population databases (gnomAD no frequency).

NM_000165.5(GJA1):c.962G>A (p.Gly321Glu)

Gene: GJA1 (gap junction protein alpha 1; plus strand). Cytogenetic location: 6q22.31.
Variant type: single nucleotide variant.
Coding change: c.962G>A on transcript NM_000165.5 (MANE Select); coding-DNA position 962, G replaced by A.
Protein change: p.Gly321Glu; replaces glycine 321 with glutamic acid.
Molecular consequence: missense variant.
Genome position (GRCh38, 1-based): chr6:121,447,809, G>A. VCF-style: chr6-121447809-G-A. GRCh37 (hg19) VCF-style: chr6-121768955-G-A.
Other names: short protein forms G321E.
Identifiers: ClinVar variation 1367012 (VCV001367012.8), dbSNP rs1294212392, ClinGen allele CA365560164.
Genomic context (GRCh38, chr6:121,447,809, plus strand): 5'-ACAACAAGCAAGCAAGTGAGCAAAACTGGGCTAATTACAGTGCAGAACAAAATCGAATGG[G>A]GCAGGCGGGAAGCACCATCTCTAACTCCCATGCACAGCCTTTTGATTTCCCCGATGATAA-3'
Protein context (NP_000156.1, residues 311-331): ANYSAEQNRM[Gly321Glu]QAGSTISNSH